The following is an entry in ClinVar:

ClinVar aggregate classification (germline): Uncertain significance (1 of 4 stars; one submission).

Conditions:
Atypical glycine encephalopathy. Also called: Glycine encephalopathy with normal serum glycine. Identifiers: Orphanet 289863, MedGen C4310943, MONDO:0015010, OMIM 617301.

Submission:

Labcorp Genetics (formerly Invitae), Labcorp
Classification: Uncertain significance for Atypical glycine encephalopathy. Last evaluated: 2024-04-11. Review status: criteria provided, single submitter. Criteria: Invitae Variant Classification Sherloc (09022015). Collection method: clinical testing. Allele origin: germline.
Comment: This sequence change replaces valine, which is neutral and non-polar, with glycine, which is neutral and non-polar, at codon 680 of the SLC6A9 protein (p.Val680Gly). This variant is not present in population databases (gnomAD no frequency). This variant has not been reported in the literature in individuals affected with SLC6A9-related conditions. ClinVar contains an entry for this variant (Variation ID: 1956938). An algorithm developed to predict the effect of missense changes on protein structure and function (PolyPhen-2) suggests that this variant is likely to be tolerated. In summary, the available evidence is currently insufficient to determine the role of this variant in disease. Therefore, it has been classified as a Variant of Uncertain Significance.

NM_001024845.3(SLC6A9):c.1820T>G (p.Val607Gly)

Gene: SLC6A9 (solute carrier family 6 member 9; minus strand). Cytogenetic location: 1p34.1.
Variant type: single nucleotide variant.
Coding change: c.1820T>G on transcript NM_001024845.3 (MANE Select); coding-DNA position 1820, T replaced by G.
Protein change: p.Val607Gly; replaces valine 607 with glycine.
Molecular consequence: missense variant. On other transcripts: non-coding transcript variant (1).
Genome position (GRCh38, 1-based): chr1:43,997,627, A>C on the plus strand (T>G on the coding strand, the complement: SLC6A9 is on the minus strand). VCF-style: chr1-43997627-A-C. GRCh37 (hg19) VCF-style: chr1-44463299-A-C.
Other names: c.1832T>G, p.Val611Gly (NM_001261380.2); c.1487T>G, p.Val496Gly (NM_001328626.2); c.1757T>G, p.Val586Gly (NM_001328627.1); c.1625T>G, p.Val542Gly (NM_001328628.1); c.1820T>G, p.Val607Gly (NM_001328629.1); c.1316T>G, p.Val439Gly (NM_001328630.2); c.1877T>G, p.Val626Gly (NM_006934.4); c.2039T>G, p.Val680Gly (NM_201649.4); short protein forms V439G, V496G, V542G, V607G, V611G, V626G, V586G, V680G.
Identifiers: ClinVar variation 1956938 (VCV001956938.4), dbSNP rs1055844989, ClinGen allele CA21708134.